The following is an entry in ClinVar:

NM_006208.3(ENPP1):c.2078C>T (p.Thr693Ile)

Gene: ENPP1 (ectonucleotide pyrophosphatase/phosphodiesterase 1; plus strand). Cytogenetic location: 6q23.2.
Variant type: single nucleotide variant.
Coding change: c.2078C>T on transcript NM_006208.3 (MANE Select); coding-DNA position 2078, C replaced by T.
Protein change: p.Thr693Ile; replaces threonine 693 with isoleucine.
Molecular consequence: missense variant.
Genome position (GRCh38, 1-based): chr6:131,880,012, C>T. VCF-style: chr6-131880012-C-T. GRCh37 (hg19) VCF-style: chr6-132201152-C-T.
Other names: short protein forms T693I.
Identifiers: ClinVar variation 1973028 (VCV001973028.5), dbSNP rs747150347, ClinGen allele CA4002408.

ClinVar aggregate classification (germline): Uncertain significance (1 of 4 stars; one submission).

Allele frequency attached by ClinVar (database versions not stated): TOPMed below 0.00001; gnomAD 0.00001; ExAC 0.00002.
gnomAD v4.1: 20 of 1,613,996 alleles (0.0012%); highest among the groups gnomAD compares: Non-Finnish European, 0.0017%; no homozygotes.

Submission:

Labcorp Genetics (formerly Invitae), Labcorp
Classification: Uncertain significance. Last evaluated: 2026-01-13. Review status: criteria provided, single submitter. Criteria: Invitae Variant Classification Sherloc (09022015). Collection method: clinical testing. Allele origin: germline.
Comment: This sequence change replaces threonine, which is neutral and polar, with isoleucine, which is neutral and non-polar, at codon 693 of the ENPP1 protein (p.Thr693Ile). This variant is present in population databases (rs747150347, gnomAD 0.002%). This variant has not been reported in the literature in individuals affected with ENPP1-related conditions. ClinVar contains an entry for this variant (Variation ID: 1973028). Invitae Evidence Modeling of protein sequence and biophysical properties (such as structural, functional, and spatial information, amino acid conservation, physicochemical variation, residue mobility, and thermodynamic stability) indicates that this missense variant is not expected to disrupt ENPP1 protein function with a negative predictive value of 80%. In summary, the available evidence is currently insufficient to determine the role of this variant in disease. Therefore, it has been classified as a Variant of Uncertain Significance.